The following is an entry in ClinVar:

ClinVar aggregate classification (germline): Conflicting classifications of pathogenicity. Review status: criteria provided, conflicting classifications (1 of 4 stars). 2 submissions from 2 submitters: Likely pathogenic (1); Uncertain significance (1). Last evaluated 2024-04-26.

Conditions:
Osteootohepatoenteric syndrome. Identifiers: MedGen C5543557, MONDO:0859164, OMIM 619377.

gnomAD v4.1: 1 of 1,613,264 alleles (0.000062%); highest among the groups gnomAD compares: Non-Finnish European, 0.000085%; no homozygotes.

Submissions (2):

Labcorp Genetics (formerly Invitae), Labcorp
Classification: Uncertain significance. Last evaluated: 2024-04-26. Review status: criteria provided, single submitter. Criteria: Invitae Variant Classification Sherloc (09022015). Collection method: clinical testing. Allele origin: germline.
Comment: This sequence change replaces alanine, which is neutral and non-polar, with aspartic acid, which is acidic and polar, at codon 40 of the UNC45A protein (p.Ala40Asp). This variant is not present in population databases (gnomAD no frequency). This variant has not been reported in the literature in individuals affected with UNC45A-related conditions. ClinVar contains an entry for this variant (Variation ID: 1476282). Advanced modeling of protein sequence and biophysical properties (such as structural, functional, and spatial information, amino acid conservation, physicochemical variation, residue mobility, and thermodynamic stability) performed at Invitae indicates that this missense variant is expected to disrupt UNC45A protein function with a positive predictive value of 80%. In summary, the available evidence is currently insufficient to determine the role of this variant in disease. Therefore, it has been classified as a Variant of Uncertain Significance.

Molecular Genetics Department, Kulakov National Medical Research Center for Obstetrics, Gynecology and Perinatology
Classification: Likely pathogenic for Osteootohepatoenteric syndrome. Review status: criteria provided, single submitter. Criteria: ACMG Guidelines, 2015. Collection method: clinical testing. Allele origin: paternal. Affected: yes.
Comment: A previously undescribed nucleotide variant creates a missense p.Ala40Asp in the UNC45A gene. Homozygous and compound variants are reported in patients with Osteootohepatoenteric syndrome, 619377. Pathogenicity prediction algorithms qualify it as pathogenic (PolyPhen-2: 0.978; Sift: 0.0). The variant is not present in population database (gnomAD no frequency). In summary, the currently available evidence indicates that the variant is pathogenic, but additional data are needed to prove that conclusively. Therefore, this variant has been classified as likely pathogenic.

NM_018671.5(UNC45A):c.119C>A (p.Ala40Asp)

Gene: UNC45A (unc-45 myosin chaperone A; plus strand). Cytogenetic location: 15q26.1.
Variant type: single nucleotide variant.
Coding change: c.119C>A on transcript NM_018671.5 (MANE Select); coding-DNA position 119, C replaced by A.
Protein change: p.Ala40Asp; replaces alanine 40 with aspartic acid.
Molecular consequence: missense variant. On other transcripts: 5 prime UTR variant (1).
Genome position (GRCh38, 1-based): chr15:90,935,611, C>A. VCF-style: chr15-90935611-C-A. GRCh37 (hg19) VCF-style: chr15-91478841-C-A.
Other names: c.74C>A, p.Ala25Asp (NM_001039675.2, NM_001323621.2); c.119C>A, p.Ala40Asp (NM_001323619.1); c.-465C>A (NM_001323620.2); short protein forms A25D, A40D.
Identifiers: ClinVar variation 1476282 (VCV001476282.7), dbSNP rs2151353536, ClinGen allele CA393890010.